The following is an entry in ClinVar:

ClinVar aggregate classification (germline): Likely benign (1 of 4 stars; one submission).

Allele frequency attached by ClinVar (database versions not stated): ExAC 0.00003; gnomAD 0.00013.

Submission:

CeGaT Center for Human Genetics Tuebingen
Classification: Likely benign. Last evaluated: 2025-06-01. Review status: criteria provided, single submitter. Criteria: CeGaT Center For Human Genetics Tuebingen Variant Classification Criteria Version 2. Collection method: clinical testing. Allele origin: germline. Affected: yes. Observed: 3 variant alleles.
Comment: LIAT1: BP4, BP7

NM_001013672.5(LIAT1):c.672C>T (p.Gly224=)

Genes: LIAT1 (ligand of ATE1; plus strand), LOC105371430 (uncharacterized LOC105371430; minus strand). Cytogenetic location: 17p13.3.
Variant type: single nucleotide variant.
Coding change: c.672C>T on transcript NM_001013672.5 (MANE Select); coding-DNA position 672, C replaced by T.
Protein change: p.Gly224=; no amino-acid change (glycine 224 retained).
Molecular consequence: synonymous variant.
Genome position (GRCh38, 1-based): chr17:413,515, C>T. VCF-style: chr17-413515-C-T. GRCh37 (hg19) VCF-style: chr17-263306-C-T.
Identifiers: ClinVar variation 3239108 (VCV003239108.19), dbSNP rs111797689.